The following is an entry in ClinVar:

NM_001161352.2(KCNMA1):c.16_33dup (p.Gly6_Ser11dup)

Gene: KCNMA1 (potassium calcium-activated channel subfamily M alpha 1; minus strand). Cytogenetic location: 10q22.3.
Variant type: Duplication.
Coding change: c.16_33dup on transcript NM_001161352.2 (MANE Select); coding-DNA positions 16 to 33, 18 bases duplicated (GGCGGCGGCGGCGGCAGC).
Protein change: p.Gly6_Ser11dup.
Molecular consequence: inframe insertion.
Genome position (GRCh38, 1-based): chr10:77,637,610-77,637,627, GCTGCCGCCGCCGCCGCC duplicated on the plus strand (GGCGGCGGCGGCGGCAGC on the coding strand, the reverse complement: KCNMA1 is on the minus strand); duplicating any 18 consecutive bases within chr10:77,637,610-77,637,629 gives the same sequence; the c. name uses the placement nearest the transcript's 3' end. VCF-style (leftmost placement, unchanged base first): chr10-77637609-T-TGCTGCCGCCGCCGCCGCC. GRCh37 (hg19) VCF-style: chr10-79397367-T-TGCTGCCGCCGCCGCCGCC.
Other names: c.16_33dup, p.Gly6_Ser11dup (NM_001014797.3, NM_001161353.2, NM_001271518.2 and 12 more transcripts).
Identifiers: ClinVar variation 1409810 (VCV001409810.7), dbSNP rs1491384967, ClinGen allele CA594712759.

ClinVar aggregate classification (germline): Uncertain significance. Review status: criteria provided, multiple submitters, no conflicts (2 of 4 stars). 2 submissions from 2 submitters: Uncertain significance (2). Last evaluated 2025-03-23.

Conditions:
Generalized epilepsy-paroxysmal dyskinesia syndrome (PNKD3). Also called: Generalized epilepsy and paroxysmal dyskinesia; Paroxysmal nonkinesigenic dyskinesia, 3, with or without generalized epilepsy. Identifiers: Orphanet 79137, MedGen C5574945, MONDO:0012276, OMIM 609446.

Submissions (2):

Labcorp Genetics (formerly Invitae), Labcorp
Classification: Uncertain significance for Generalized epilepsy-paroxysmal dyskinesia syndrome. Last evaluated: 2025-03-23. Review status: criteria provided, single submitter. Criteria: Invitae Variant Classification Sherloc (09022015). Collection method: clinical testing. Allele origin: germline.
Comment: This variant, c.16_33dup, results in the insertion of 6 amino acid(s) of the KCNMA1 protein (p.Gly6_Ser11dup), but otherwise preserves the integrity of the reading frame. The frequency data for this variant in the population databases is considered unreliable, as metrics indicate poor data quality at this position in the gnomAD database. This variant has not been reported in the literature in individuals affected with KCNMA1-related conditions. ClinVar contains an entry for this variant (Variation ID: 1409810). Experimental studies and prediction algorithms are not available or were not evaluated, and the functional significance of this variant is currently unknown. In summary, the available evidence is currently insufficient to determine the role of this variant in disease. Therefore, it has been classified as a Variant of Uncertain Significance.

Blueprint Genetics
Classification: Uncertain significance. Last evaluated: 2018-10-15. Review status: criteria provided, single submitter. Criteria: ACMG Guidelines, 2015. Collection method: clinical testing. Allele origin: germline.